The following is an entry in ClinVar:

NM_014714.4(IFT140):c.1121C>T (p.Pro374Leu)

Genes: IFT140 (intraflagellar transport 140; minus strand), LOC105371046 (uncharacterized LOC105371046; plus strand). Cytogenetic location: 16p13.3.
Variant type: single nucleotide variant.
Coding change: c.1121C>T on transcript NM_014714.4 (MANE Select); coding-DNA position 1121, C replaced by T.
Protein change: p.Pro374Leu; replaces proline 374 with leucine.
Molecular consequence: missense variant.
Genome position (GRCh38, 1-based): chr16:1,586,164, G>A on the plus strand (C>T on the coding strand, the complement: IFT140 is on the minus strand). VCF-style: chr16-1586164-G-A. GRCh37 (hg19) VCF-style: chr16-1636165-G-A.
Other names: short protein forms P374L.
Identifiers: ClinVar variation 1040820 (VCV001040820.8), dbSNP rs2034866707, ClinGen allele CA394215782.

ClinVar aggregate classification (germline): Uncertain significance (1 of 4 stars; one submission).

Conditions:
Saldino-Mainzer syndrome (SRTD9). Also called: CONORENAL SYNDROME; Renal dysplasia, retinal pigmentary dystrophy, cerebellar ataxia and skeletal dysplasia; short-rib thoracic dysplasia 9 with or without polydactyly; SHORT-RIB THORACIC DYSPLASIA 9 WITHOUT POLYDACTYLY. Identifiers: Orphanet 140969, MedGen C1849437, MONDO:0009964, OMIM 266920.

Submission:

Labcorp Genetics (formerly Invitae), Labcorp
Classification: Uncertain significance for Saldino-Mainzer syndrome. Last evaluated: 2022-10-17. Review status: criteria provided, single submitter. Criteria: Invitae Variant Classification Sherloc (09022015). Collection method: clinical testing. Allele origin: germline.
Comment: ClinVar contains an entry for this variant (Variation ID: 1040820). This variant has not been reported in the literature in individuals affected with IFT140-related conditions. This variant is not present in population databases (gnomAD no frequency). This sequence change replaces proline, which is neutral and non-polar, with leucine, which is neutral and non-polar, at codon 374 of the IFT140 protein (p.Pro374Leu). Advanced modeling of protein sequence and biophysical properties (such as structural, functional, and spatial information, amino acid conservation, physicochemical variation, residue mobility, and thermodynamic stability) performed at Invitae indicates that this missense variant is not expected to disrupt IFT140 protein function. In summary, the available evidence is currently insufficient to determine the role of this variant in disease. Therefore, it has been classified as a Variant of Uncertain Significance.